The following is an entry in ClinVar:

NM_001035.3(RYR2):c.8699G>A (p.Gly2900Glu)

Gene: RYR2 (ryanodine receptor 2; plus strand). Cytogenetic location: 1q43.
Variant type: single nucleotide variant.
Coding change: c.8699G>A on transcript NM_001035.3 (MANE Select); coding-DNA position 8699, G replaced by A.
Protein change: p.Gly2900Glu; replaces glycine 2900 with glutamic acid.
Molecular consequence: missense variant.
Genome position (GRCh38, 1-based): chr1:237,674,204, G>A. VCF-style: chr1-237674204-G-A. GRCh37 (hg19) VCF-style: chr1-237837504-G-A.
Other names: short protein forms G2900E.
Identifiers: ClinVar variation 3252456 (VCV003252456.1), dbSNP rs2547213895.

ClinVar aggregate classification (germline): Uncertain significance (1 of 4 stars; one submission).

Submission:

GeneDx
Classification: Uncertain significance. Last evaluated: 2023-08-04. Review status: criteria provided, single submitter. Criteria: GeneDx Variant Classification Process June 2021. Collection method: clinical testing. Allele origin: germline. Affected: yes.
Comment: Not observed at significant frequency in large population cohorts (gnomAD); In silico analysis supports that this missense variant has a deleterious effect on protein structure/function; Has not been previously published as pathogenic or benign to our knowledge